The following is an entry in ClinVar:

ClinVar aggregate classification (germline): Uncertain significance (1 of 4 stars; one submission).

Conditions:
Ataxia-telangiectasia syndrome (AT). Also called: LOUIS-BAR SYNDROME; Cerebello-oculocutaneous telangiectasia; Immunodeficiency with ataxia telangiectasia; Ataxia telangiectasia (A-T); Ataxia-telangiectasia, complementation group D; AT, COMPLEMENTATION GROUP C. Identifiers: Orphanet 100, MedGen C0004135, MONDO:0008840, OMIM 208900.

Submission:

Labcorp Genetics (formerly Invitae), Labcorp
Classification: Uncertain significance for Ataxia-telangiectasia syndrome. Last evaluated: 2023-06-29. Review status: criteria provided, single submitter. Criteria: Invitae Variant Classification Sherloc (09022015). Collection method: clinical testing. Allele origin: germline.
Comment: In summary, the available evidence is currently insufficient to determine the role of this variant in disease. Therefore, it has been classified as a Variant of Uncertain Significance. Variants that disrupt the consensus splice site are a relatively common cause of aberrant splicing (PMID: 17576681, 9536098). Algorithms developed to predict the effect of sequence changes on RNA splicing suggest that this variant may disrupt the consensus splice site. This variant has not been reported in the literature in individuals affected with ATM-related conditions. This variant is not present in population databases (gnomAD no frequency). This sequence change affects codon 2505 of the ATM mRNA. It is a 'silent' change, meaning that it does not change the encoded amino acid sequence of the ATM protein. This variant also falls at the last nucleotide of exon 50, which is part of the consensus splice site for this exon.

Literature cited by the submitters: PubMed 17576681; PubMed 9536098.

NM_000051.4(ATM):c.7515G>A (p.Lys2505=)

Genes: C11orf65 (chromosome 11 open reading frame 65; minus strand), ATM (ATM serine/threonine kinase; plus strand). Cytogenetic location: 11q22.3.
Variant type: single nucleotide variant.
Coding change: c.7515G>A on transcript NM_000051.4 (MANE Select); coding-DNA position 7515, G replaced by A.
Protein change: p.Lys2505=; no amino-acid change (lysine 2505 retained).
Molecular consequence: synonymous variant. On other transcripts: intron variant (2).
Genome position (GRCh38, 1-based): chr11:108,330,421, G>A. VCF-style: chr11-108330421-G-A. GRCh37 (hg19) VCF-style: chr11-108201148-G-A.
Other names: c.7515G>A, p.Lys2505= (NM_001351834.2); c.641-21350C>T (NM_001330368.2); c.*38+4799C>T (NM_001351110.2).
Identifiers: ClinVar variation 2732725 (VCV002732725.3), dbSNP rs2136464942, ClinGen allele CA476677002.